The following is an entry in ClinVar:

NM_001379081.2(FREM1):c.4654C>T (p.His1552Tyr)

Gene: FREM1 (FRAS1 related extracellular matrix 1; minus strand). Cytogenetic location: 9p22.3.
Variant type: single nucleotide variant.
Coding change: c.4654C>T on transcript NM_001379081.2 (MANE Select); coding-DNA position 4654, C replaced by T.
Protein change: p.His1552Tyr; replaces histidine 1552 with tyrosine.
Molecular consequence: missense variant. On other transcripts: non-coding transcript variant (2).
Genome position (GRCh38, 1-based): chr9:14,775,992, G>A on the plus strand (C>T on the coding strand, the complement: FREM1 is on the minus strand). VCF-style: chr9-14775992-G-A. GRCh37 (hg19) VCF-style: chr9-14775990-G-A.
Other names: c.262C>T, p.His88Tyr (NM_001177704.3, NM_001370058.2, NM_001370061.2); c.4654C>T, p.His1552Tyr (NM_144966.7); short protein forms H1552Y, H88Y.
Identifiers: ClinVar variation 4994113 (VCV004994113.1).

ClinVar aggregate classification (germline): Uncertain significance (1 of 4 stars; one submission).

Conditions:
FREM1-related disorder. Also called: FREM1-related condition; FREM1-Related Disorders.

gnomAD v4.1: 3 of 1,614,048 alleles (0.00019%); highest among the groups gnomAD compares: Non-Finnish European, 0.00025%; no homozygotes.

Submission:

PreventionGenetics, part of Exact Sciences
Classification: Uncertain significance for FREM1-related condition. Last evaluated: 2026-08-06. Review status: criteria provided, single submitter. Criteria: ACMG Guidelines, 2015. Collection method: clinical testing. Allele origin: germline.
Comment: The FREM1 c.4654C>T variant is predicted to result in the amino acid substitution p.His1552Tyr. To our knowledge, this variant has not been reported in the literature or in a large population database (gnomAD), indicating this variant is rare. At this time, the clinical significance of this variant is uncertain due to the absence of conclusive functional and genetic evidence.